The following is an entry in ClinVar:

NM_139119.3(YY1AP1):c.2250T>C (p.Leu750=)

Gene: YY1AP1 (YY1 associated protein 1; minus strand). Cytogenetic location: 1q22.
Variant type: single nucleotide variant.
Coding change: c.2250T>C on transcript NM_139119.3 (MANE Select); coding-DNA position 2250, T replaced by C.
Protein change: p.Leu750=; no amino-acid change (leucine 750 retained).
Molecular consequence: synonymous variant. On other transcripts: 3 prime UTR variant (1).
Genome position (GRCh38, 1-based): chr1:155,659,660, A>G on the plus strand (T>C on the coding strand, the complement: YY1AP1 is on the minus strand). VCF-style: chr1-155659660-A-G. GRCh37 (hg19) VCF-style: chr1-155629451-A-G.
Other names: c.2217T>C, p.Leu739= (NM_001198899.2, NM_001198900.2, NM_018253.4); c.2250T>C, p.Leu750= (NM_001198901.2, NM_001198902.2); c.2664T>C, p.Leu888= (NM_001198903.1); c.2604T>C, p.Leu868= (NM_001198904.1); c.2190T>C, p.Leu730= (NM_001198905.2); c.*1193T>C (NM_001198906.2); c.2388T>C, p.Leu796= (NM_139118.3); c.2052T>C, p.Leu684= (NM_139121.3).
Identifiers: ClinVar variation 726019 (VCV000726019.10), dbSNP rs143518160, ClinGen allele CA1148320.

ClinVar aggregate classification (germline): Benign/Likely benign. Review status: criteria provided, multiple submitters, no conflicts (2 of 4 stars). 5 submissions from 5 submitters: Benign (2); Likely benign (2). 1 of the submissions does not count toward it. Last evaluated 2026-03-01.

Conditions:
YY1AP1-related disorder. Also called: YY1AP1-related condition.

Allele frequency attached by ClinVar (database versions not stated): gnomAD exomes 0.00015 and 0.00046; ExAC 0.00057; gnomAD 0.00179 and 0.00193; 1000 Genomes Project 30x 0.00187; TOPMed 0.00214; 1000 Genomes Project 0.00220; ESP Exome Variant Server 0.00231.
gnomAD v4.1: 503 of 1,614,122 alleles (0.031%); highest among the groups gnomAD compares: African/African-American, 0.58%; 1 homozygote.

Submissions (5):

CeGaT Center for Human Genetics Tuebingen
Classification: Likely benign. Last evaluated: 2026-03-01. Review status: criteria provided, single submitter. Criteria: CeGaT Center For Human Genetics Tuebingen Variant Classification Criteria Version 2. Collection method: clinical testing. Allele origin: germline. Affected: yes. Observed: 1 variant allele.
Comment: YY1AP1: BP4, BP7

Blueprint Genetics
Classification: Likely benign. Last evaluated: 2023-10-04. Review status: criteria provided, single submitter. Criteria: ACMG Guidelines, 2015. Collection method: clinical testing. Allele origin: germline.

Labcorp Genetics (formerly Invitae), Labcorp
Classification: Benign. Last evaluated: 2018-02-09. Review status: criteria provided, single submitter. Criteria: Invitae Variant Classification Sherloc (09022015). Collection method: clinical testing. Allele origin: germline.

Breakthrough Genomics
Classification: Benign. Review status: criteria provided, single submitter. Criteria: ACMG Guidelines, 2015. Collection method: not provided. Allele origin: germline. Inheritance: Autosomal recessive inheritance. Affected: yes.

PreventionGenetics, part of Exact Sciences
Classification: Likely benign for YY1AP1-related condition. Last evaluated: 2024-04-16. Review status: no assertion criteria provided. Collection method: clinical testing. Allele origin: germline. Not counted in ClinVar's aggregate classification.
Comment: This variant is classified as likely benign based on ACMG/AMP sequence variant interpretation guidelines (Richards et al. 2015 PMID: 25741868, with internal and published modifications).